The following is an entry in ClinVar:

NM_000051.4(ATM):c.7515+6T>C

Genes: ATM (ATM serine/threonine kinase; plus strand), C11orf65 (chromosome 11 open reading frame 65; minus strand). Cytogenetic location: 11q22.3.
Variant type: single nucleotide variant.
Coding change: c.7515+6T>C on transcript NM_000051.4 (MANE Select); 6 bases into the intron after coding-DNA position 7515, T replaced by C.
Molecular consequence: intron variant.
Genome position (GRCh38, 1-based): chr11:108,330,427, T>C. VCF-style: chr11-108330427-T-C. GRCh37 (hg19) VCF-style: chr11-108201154-T-C.
Other names: c.7515+6T>C (NM_001351834.2); c.641-21356A>G (NM_001330368.2); c.*38+4793A>G (NM_001351110.2).
Identifiers: ClinVar variation 1018598 (VCV001018598.9), dbSNP rs1250327887, ClinGen allele CA602132820.

ClinVar aggregate classification (germline): Uncertain significance (1 of 4 stars; one submission).

Conditions:
Ataxia-telangiectasia syndrome (AT). Also called: Ataxia telangiectasia (A-T); ATAXIA-TELANGIECTASIA, COMPLEMENTATION GROUP A; ATAXIA-TELANGIECTASIA, FRESNO VARIANT; Ataxia-telangiectasia; Ataxia-telangiectasia, complementation group E; LOUIS-BAR SYNDROME. Identifiers: Orphanet 100, MedGen C0004135, MONDO:0008840, OMIM 208900.

Allele frequency attached by ClinVar (database versions not stated): gnomAD exomes below 0.00001.
gnomAD v4.1: 1 of 1,613,934 alleles (0.000062%); highest among the groups gnomAD compares: Admixed American, 0.0017%; no homozygotes.

Submission:

Labcorp Genetics (formerly Invitae), Labcorp
Classification: Uncertain significance for Ataxia-telangiectasia syndrome. Last evaluated: 2025-05-12. Review status: criteria provided, single submitter. Criteria: Invitae Variant Classification Sherloc (09022015). Collection method: clinical testing. Allele origin: germline.
Comment: This sequence change falls in intron 50 of the ATM gene. It does not directly change the encoded amino acid sequence of the ATM protein. It affects a nucleotide within the consensus splice site. This variant is present in population databases (no rsID available, gnomAD 0.003%). This variant has not been reported in the literature in individuals affected with ATM-related conditions. ClinVar contains an entry for this variant (Variation ID: 1018598). Variants that disrupt the consensus splice site are a relatively common cause of aberrant splicing (PMID: 17576681, 9536098). Algorithms developed to predict the effect of sequence changes on RNA splicing suggest that this variant may disrupt the consensus splice site. In summary, the available evidence is currently insufficient to determine the role of this variant in disease. Therefore, it has been classified as a Variant of Uncertain Significance.

Literature cited by the submitters: PubMed 17576681; PubMed 9536098.